The following is an entry in ClinVar:

ClinVar aggregate classification (germline): Uncertain significance (0 of 4 stars; one submission).

Conditions:
TTC8-related disorder. Also called: TTC8-related condition.

Submission:

PreventionGenetics, part of Exact Sciences
Classification: Uncertain significance for TTC8-related condition. Last evaluated: 2024-07-10. Review status: no assertion criteria provided. Collection method: clinical testing. Allele origin: germline.
Comment: The TTC8 c.1093A>G variant is predicted to result in the amino acid substitution p.Asn365Asp. To our knowledge, this variant has not been reported in the literature or in a large population database, indicating this variant is rare. At this time, the clinical significance of this variant is uncertain due to the absence of conclusive functional and genetic evidence.

NM_144596.4(TTC8):c.1093A>G (p.Asn365Asp)

Gene: TTC8 (tetratricopeptide repeat domain 8; plus strand). Cytogenetic location: 14q31.3.
Variant type: single nucleotide variant.
Coding change: c.1093A>G on transcript NM_144596.4 (MANE Select); coding-DNA position 1093, A replaced by G.
Protein change: p.Asn365Asp; replaces asparagine 365 with aspartic acid.
Molecular consequence: missense variant. On other transcripts: non-coding transcript variant (1).
Genome position (GRCh38, 1-based): chr14:88,871,592, A>G. VCF-style: chr14-88871592-A-G. GRCh37 (hg19) VCF-style: chr14-89337936-A-G.
Other names: c.1141A>G, p.Asn381Asp (NM_001288781.1); c.499A>G, p.Asn167Asp (NM_001288782.1); c.376A>G, p.Asn126Asp (NM_001288783.1); c.1063A>G, p.Asn355Asp (NM_001366535.2, NM_198309.3); c.973A>G, p.Asn325Asp (NM_001366536.2, NM_198310.3); short protein forms N126D, N167D, N325D, N355D, N365D, N381D.
Identifiers: ClinVar variation 3346599 (VCV003346599.1).